The following is an entry in ClinVar:

ClinVar aggregate classification (germline): Uncertain significance. Review status: criteria provided, multiple submitters, no conflicts (2 of 4 stars). 2 submissions from 2 submitters: Uncertain significance (2). Last evaluated 2025-11-03.

Conditions:
MPDZ-related disorder. Also called: MPDZ-related condition.

Allele frequency attached by ClinVar (database versions not stated): TOPMed 0.00002; ExAC 0.00003; gnomAD exomes 0.00003; ESP Exome Variant Server 0.00016.
gnomAD v4.1: 15 of 1,613,636 alleles (0.00093%); highest among the groups gnomAD compares: Middle Eastern, 0.016%; no homozygotes.

Submissions (2):

PreventionGenetics, part of Exact Sciences
Classification: Uncertain significance for MPDZ-related condition. Last evaluated: 2025-11-03. Review status: criteria provided, single submitter. Criteria: ACMG Guidelines, 2015. Collection method: clinical testing. Allele origin: germline.
Comment: The MPDZ c.5719G>A variant is predicted to result in the amino acid substitution p.Ala1907Thr. To our knowledge, this variant has not been reported in the literature. This variant is reported in 0.0062% of alleles in individuals of European (Non-Finnish) descent in gnomAD. At this time, the clinical significance of this variant is uncertain due to the absence of conclusive functional and genetic evidence.

Labcorp Genetics (formerly Invitae), Labcorp
Classification: Uncertain significance. Last evaluated: 2023-08-17. Review status: criteria provided, single submitter. Criteria: Invitae Variant Classification Sherloc (09022015). Collection method: clinical testing. Allele origin: germline.
Comment: In summary, the available evidence is currently insufficient to determine the role of this variant in disease. Therefore, it has been classified as a Variant of Uncertain Significance. An algorithm developed to predict the effect of missense changes on protein structure and function (PolyPhen-2) suggests that this variant is likely to be disruptive. ClinVar contains an entry for this variant (Variation ID: 1495552). This variant has not been reported in the literature in individuals affected with MPDZ-related conditions. This variant is present in population databases (rs368257743, gnomAD 0.004%). This sequence change replaces alanine, which is neutral and non-polar, with threonine, which is neutral and polar, at codon 1907 of the MPDZ protein (p.Ala1907Thr).

NM_001378778.1(MPDZ):c.5806G>A (p.Ala1936Thr)

Gene: MPDZ (multiple PDZ domain crumbs cell polarity complex component; minus strand). Cytogenetic location: 9p23.
Variant type: single nucleotide variant.
Coding change: c.5806G>A on transcript NM_001378778.1 (MANE Select); coding-DNA position 5806, G replaced by A.
Protein change: p.Ala1936Thr; replaces alanine 1936 with threonine.
Molecular consequence: missense variant.
Genome position (GRCh38, 1-based): chr9:13,110,659, C>T on the plus strand (G>A on the coding strand, the complement: MPDZ is on the minus strand). VCF-style: chr9-13110659-C-T. GRCh37 (hg19) VCF-style: chr9-13110658-C-T.
Other names: c.5719G>A (NM_003829.4); c.5707G>A, p.Ala1903Thr (NM_001261406.2, NM_001375416.1, NM_001375417.1 and 1 more transcripts); c.5620G>A, p.Ala1874Thr (NM_001261407.2, NM_001375419.1); c.5806G>A, p.Ala1936Thr (NM_001330637.2); c.5905G>A, p.Ala1969Thr (NM_001375413.1); c.5596G>A, p.Ala1866Thr (NM_001375420.1, NM_001375421.1, NM_001375422.1 and 2 more transcripts); c.5509G>A, p.Ala1837Thr (NM_001375425.1, NM_001375426.1); c.5398G>A, p.Ala1800Thr (NM_001375427.1); and 1 more; short protein forms A1837T, A1874T, A1907T, A1969T, A1866T, A1936T, A1903T, A1800T.
Identifiers: ClinVar variation 1495552 (VCV001495552.6), dbSNP rs368257743, ClinGen allele CA4986108.